The following is an entry in ClinVar:

NM_001267550.2(TTN):c.54653G>A (p.Arg18218Gln)

Genes: TTN (titin; minus strand), TTN-AS1 (TTN antisense RNA 1; plus strand). Cytogenetic location: 2q31.2.
Variant type: single nucleotide variant.
Coding change: c.54653G>A on transcript NM_001267550.2 (MANE Select); coding-DNA position 54653, G replaced by A.
Protein change: p.Arg18218Gln; replaces arginine 18218 with glutamine.
Molecular consequence: missense variant.
Genome position (GRCh38, 1-based): chr2:178,604,034, C>T on the plus strand (G>A on the coding strand, the complement: TTN is on the minus strand). VCF-style: chr2-178604034-C-T. GRCh37 (hg19) VCF-style: chr2-179468761-C-T.
Other names: c.49730G>A, p.Arg16577Gln (NM_001256850.1); c.27458G>A, p.Arg9153Gln (NM_003319.4); c.46949G>A, p.Arg15650Gln (NM_133378.4); c.27833G>A, p.Arg9278Gln (NM_133432.3); c.28034G>A, p.Arg9345Gln (NM_133437.4); short protein forms R15650Q, R16577Q, R18218Q, R9153Q, R9278Q, R9345Q.
Identifiers: ClinVar variation 994859 (VCV000994859.7), dbSNP rs143643360, ClinGen allele CA1993595.

ClinVar aggregate classification (germline): Uncertain significance. Review status: criteria provided, multiple submitters, no conflicts (2 of 4 stars). 4 submissions from 4 submitters: Uncertain significance (4). Last evaluated 2026-04-01.

Conditions:
TTN-related disorder. Also called: TTN-related condition; TTN-related disease; TTN-related disorders.

Allele frequency attached by ClinVar (database versions not stated): TOPMed below 0.00001; gnomAD 0.00001; ExAC 0.00002; gnomAD exomes 0.00002 and 0.00003; ESP Exome Variant Server 0.00008; 1000 Genomes Project 30x 0.00016; 1000 Genomes Project 0.00020.
gnomAD v4.1: 44 of 1,612,902 alleles (0.0027%); highest among the groups gnomAD compares: Middle Eastern, 0.017%; no homozygotes.

Submissions (4):

CeGaT Center for Human Genetics Tuebingen
Classification: Uncertain significance. Last evaluated: 2026-04-01. Review status: criteria provided, single submitter. Criteria: CeGaT Center For Human Genetics Tuebingen Variant Classification Criteria Version 2. Collection method: clinical testing. Allele origin: germline. Affected: yes. Observed: 1 variant allele.
Comment: TTN: PM2

PreventionGenetics, part of Exact Sciences
Classification: Uncertain significance for TTN-related condition. Last evaluated: 2025-05-07. Review status: criteria provided, single submitter. Criteria: ACMG Guidelines, 2015. Collection method: clinical testing. Allele origin: germline.
Comment: The TTN c.54653G>A variant is predicted to result in the amino acid substitution p.Arg18218Gln. To our knowledge, this variant has not been reported in the literature. This variant is reported in 0.0041% of alleles in individuals of African descent in gnomAD. At this time, the clinical significance of this variant is uncertain due to the absence of conclusive functional and genetic evidence.

Revvity Omics, Revvity
Classification: Uncertain significance. Last evaluated: 2021-03-25. Review status: criteria provided, single submitter. Criteria: ACMG Guidelines, 2015. Collection method: clinical testing. Allele origin: germline.

Athena Diagnostics
Classification: Uncertain significance. Last evaluated: 2020-06-25. Review status: criteria provided, single submitter. Criteria: Athena Diagnostics Criteria. Collection method: clinical testing. Allele origin: unknown.